The following is an entry in ClinVar:

NM_000531.6(OTC):c.848del (p.Gly283fs)

Gene: OTC (ornithine transcarbamylase; plus strand). Cytogenetic location: Xp11.4.
Variant type: Deletion.
Coding change: c.848del on transcript NM_000531.6 (MANE Select); coding-DNA position 848, one base deleted (G; older notation c.848delG).
Protein change: p.Gly283fs; shifts the reading frame from glycine 283.
Molecular consequence: frameshift variant.
Genome position (GRCh38, 1-based): chrX:38,409,006, G deleted; the last of 2 consecutive G bases (chrX:38,409,005-38,409,006); deleting either gives the same sequence. VCF-style (leftmost placement, unchanged base first): chrX-38409004-AG-A. GRCh37 (hg19) VCF-style: chrX-38268257-AG-A.
Other names: c.848delG, p.Gly283Valfs (NM_001407092.1); short protein forms G283fs.
Identifiers: ClinVar variation 2012949 (VCV002012949.4), dbSNP rs2519979419, ClinGen allele CA2580100886.
Genomic context (GRCh38, chrX:38,409,004, plus strand): 5'-AGACACTTGGATAAGCATGGGACAAGAAGAGGAGAAGAAAAAGCGGCTCCAGGCTTTCCA[AG>A]GTTACCAGGTTACAATGAAGGTACAAATTGATGCCTCTCTGAAGGTTCATTAATTCCATT-3'

ClinVar aggregate classification (germline): Pathogenic (1 of 4 stars; one submission).

Conditions:
Ornithine carbamoyltransferase deficiency (OTCD). Also called: OTC DEFICIENCY; ORNITHINE TRANSCARBAMYLASE DEFICIENCY; ORNITHINE TRANSCARBAMYLASE DEFICIENCY, HYPERAMMONEMIA DUE TO; Ornithine Carbamoyltransferase Deficiency Disease. Identifiers: Orphanet 664, MedGen C0268542, MONDO:0010703, OMIM 311250.

Submission:

Labcorp Genetics (formerly Invitae), Labcorp
Classification: Pathogenic for Ornithine carbamoyltransferase deficiency. Last evaluated: 2022-07-01. Review status: criteria provided, single submitter. Criteria: Invitae Variant Classification Sherloc (09022015). Collection method: clinical testing. Allele origin: germline.
Comment: This sequence change creates a premature translational stop signal (p.Gly283Valfs*6) in the OTC gene. It is expected to result in an absent or disrupted protein product. Loss-of-function variants in OTC are known to be pathogenic (PMID: 10946359, 16786505). This variant is not present in population databases (gnomAD no frequency). This variant has not been reported in the literature in individuals affected with OTC-related conditions. For these reasons, this variant has been classified as Pathogenic.

Literature cited by the submitters: PubMed 10946359; PubMed 16786505.